The following is an entry in ClinVar:

ClinVar aggregate classification (germline): Uncertain significance (1 of 4 stars; one submission).

Allele frequency attached by ClinVar (database versions not stated): TOPMed below 0.00001; gnomAD exomes 0.00001 and 0.00002; ExAC 0.00002.
gnomAD v4.1: 5 of 1,614,190 alleles (0.00031%); highest among the groups gnomAD compares: Admixed American, 0.0083%; no homozygotes.

Submission:

Labcorp Genetics (formerly Invitae), Labcorp
Classification: Uncertain significance. Last evaluated: 2024-02-16. Review status: criteria provided, single submitter. Criteria: Invitae Variant Classification Sherloc (09022015). Collection method: clinical testing. Allele origin: germline.
Comment: This sequence change replaces phenylalanine, which is neutral and non-polar, with leucine, which is neutral and non-polar, at codon 73 of the DDX58 protein (p.Phe73Leu). This variant is present in population databases (rs762710111, gnomAD 0.01%). This variant has not been reported in the literature in individuals affected with DDX58-related conditions. ClinVar contains an entry for this variant (Variation ID: 1477172). An algorithm developed to predict the effect of missense changes on protein structure and function (PolyPhen-2) suggests that this variant is likely to be tolerated. In summary, the available evidence is currently insufficient to determine the role of this variant in disease. Therefore, it has been classified as a Variant of Uncertain Significance.

NM_014314.4(RIGI):c.217T>C (p.Phe73Leu)

Gene: RIGI (RNA sensor RIG-I; minus strand). Cytogenetic location: 9p21.1.
Variant type: single nucleotide variant.
Coding change: c.217T>C on transcript NM_014314.4 (MANE Select); coding-DNA position 217, T replaced by C.
Protein change: p.Phe73Leu; replaces phenylalanine 73 with leucine.
Molecular consequence: missense variant. On other transcripts: 5 prime UTR variant (3).
Genome position (GRCh38, 1-based): chr9:32,500,829, A>G on the plus strand (T>C on the coding strand, the complement: RIGI is on the minus strand). VCF-style: chr9-32500829-A-G. GRCh37 (hg19) VCF-style: chr9-32500827-A-G.
Other names: c.217T>C, p.Phe73Leu (NM_001385907.1, NM_001385909.1, NM_001385913.1); c.-238T>C (NM_001385910.1, NM_001385914.1); c.-245T>C (NM_001385912.1); short protein forms F73L.
Identifiers: ClinVar variation 1477172 (VCV001477172.8), dbSNP rs762710111, ClinGen allele CA5020147.